The following is an entry in ClinVar:

NM_007294.4(BRCA1):c.3428delinsTA (p.Ser1143fs)

Genes: BRCA1 (BRCA1 DNA repair associated; minus strand), LOC126862571 (BRD4-independent group 4 enhancer GRCh37_chr17:41243136-41244335; plus strand). Cytogenetic location: 17q21.31.
Variant type: Indel.
Coding change: c.3428delinsTA on transcript NM_007294.4 (MANE Select); coding-DNA position 3428, C replaced by TA.
Protein change: p.Ser1143fs; shifts the reading frame from serine 1143.
Molecular consequence: frameshift variant. On other transcripts: intron variant (135).
Genome position (GRCh38, 1-based): chr17:43,092,103, G replaced by TA on the plus strand (C replaced by TA on the coding strand, the reverse complement: BRCA1 is on the minus strand). VCF-style: chr17-43092103-G-TA. GRCh37 (hg19) VCF-style: chr17-41244120-G-TA.
Other names: 3547delCinsTA; c.3095delinsTA, p.Ser1032fs (NM_001407949.1, NM_001407950.1, NM_001407951.1 and 6 more transcripts); c.3092delinsTA, p.Ser1031fs (NM_001407954.1, NM_001407955.1, NM_001407956.1 and 1 more transcripts); c.3047delinsTA, p.Ser1016fs (NM_001407959.1, NM_001407960.1, NM_001407963.1); c.3044delinsTA, p.Ser1015fs (NM_001407962.1); c.3284delinsTA, p.Ser1095fs (NM_001407964.1, NM_001407740.1, NM_001407741.1 and 20 more transcripts); c.2924delinsTA, p.Ser975fs (NM_001407965.1); c.2540delinsTA, p.Ser847fs (NM_001407966.1, NM_001407967.1); and 42 more; short protein forms S1096fs, S1143fs, S1015fs, S1076fs, S1101fs, S1140fs, S275fs, S1016fs.
Identifiers: ClinVar variation 54881 (VCV000054881.8), dbSNP rs397509066, ClinGen allele CA327867.

ClinVar aggregate classification (germline): Pathogenic. Review status: reviewed by expert panel (3 of 4 stars). 3 submissions from 3 submitters: Pathogenic (1). 2 of the submissions do not count toward it. Last evaluated 2016-10-18.

Conditions:
Breast-ovarian cancer, familial, susceptibility to, 1 (BROVCA1). Also called: BRCA1 Hereditary Breast and Ovarian Cancer; OVARIAN CANCER, SUSCEPTIBILITY TO. Identifiers: Orphanet 145, MedGen C2676676, MONDO:0011450, OMIM 604370. Disease mechanism: loss of function.

Submissions (3):

Evidence-based Network for the Interpretation of Germline Mutant Alleles (ENIGMA)
Classification: Pathogenic for Breast-ovarian cancer, familial, susceptibility to, 1. Last evaluated: 2016-10-18. Review status: reviewed by expert panel. Criteria: ENIGMA BRCA1/2 Classification Criteria (2015). Collection method: curation. Allele origin: germline.
Comment: Variant allele predicted to encode a truncated non-functional protein.

Myriad Genetics, Inc.
Classification: Pathogenic for Breast-ovarian cancer, familial, susceptibility to, 1. Last evaluated: 2026-09-18. Review status: criteria provided, single submitter. Criteria: Myriad Autosomal Dominant, Autosomal Recessive and X-Linked Classification Criteria (2023). Collection method: clinical testing. Allele origin: unknown. Not counted in ClinVar's aggregate classification.
Comment: This variant is considered pathogenic. This variant creates a frameshift predicted to result in premature protein truncation.

Consortium of Investigators of Modifiers of BRCA1/2 (CIMBA), c/o University of Cambridge
Classification: Pathogenic for Breast-ovarian cancer, familial, susceptibility to, 1. Last evaluated: 2015-10-02. Review status: criteria provided, single submitter. Criteria: CIMBA Mutation Classification guidelines May 2016. Collection method: clinical testing. Allele origin: germline. Not counted in ClinVar's aggregate classification.